The following is an entry in ClinVar:

NM_000969.5(RPL5):c.766_781del (p.Lys256fs)

Genes: DIPK1A (divergent protein kinase domain 1A; minus strand), RPL5 (ribosomal protein L5; plus strand). Cytogenetic location: 1p22.1.
Variant type: Deletion.
Coding change: c.766_781del on transcript NM_000969.5 (MANE Select); coding-DNA positions 766 to 781, 16 bases deleted (AAGCCCAAGAAAGAAG).
Protein change: p.Lys256fs; shifts the reading frame from lysine 256.
Molecular consequence: frameshift variant. On other transcripts: non-coding transcript variant (1), intron variant (1).
Genome position (GRCh38, 1-based): chr1:92,840,611-92,840,626, AAGCCCAAGAAAGAAG deleted; deleting any 16 consecutive bases within chr1:92,840,608-92,840,626 gives the same sequence; the c. name uses the placement nearest the transcript's 3' end. VCF-style (leftmost placement, unchanged base first): chr1-92840607-AAAGAAGCCCAAGAAAG-A. GRCh37 (hg19) VCF-style: chr1-93306164-AAAGAAGCCCAAGAAAG-A.
Other names: c.474+6560_474+6575del (NM_001252273.2); short protein forms K256fs.
Identifiers: ClinVar variation 1338415 (VCV001338415.5), dbSNP rs2100697037, ClinGen allele CA2573051632.

ClinVar aggregate classification (germline): Likely pathogenic (1 of 4 stars; one submission).

Submission:

Genetic Services Laboratory, University of Chicago
Classification: Likely pathogenic. Last evaluated: 2018-06-05. Review status: criteria provided, single submitter. Criteria: ACMG Guidelines, 2015. Collection method: clinical testing. Allele origin: germline. Affected: yes.
Comment: DNA sequence analysis of the RPL5 gene demonstrated a 16 base pair deletion in exon 7, c.766_781del, which results in an amino acid frameshift and creates a premature stop codon 19 amino acids downstream of the variant, p.Lys256Leufs*20. This likely pathogenic sequence change is predicted to result in an abnormal transcript, which may be degraded, or may lead to the production of a truncated RPL5 protein with potentially abnormal function. While this deletion has not previously been described in the literature, other pathogenic truncating variants in the RPL5 gene have been described in several patients with Diamond-Blackfan Anemia 6 (Smetanina et. al., 2015; Quarello et. al, 2010) [OMIM#612561]. This sequence change is the likely cause of this phenotype, however functional studies have not been performed to prove this conclusively.